The following is an entry in ClinVar:

ClinVar aggregate classification (germline): Uncertain significance. Review status: criteria provided, multiple submitters, no conflicts (2 of 4 stars). 2 submissions from 2 submitters: Uncertain significance (2). Last evaluated 2025-06-17.

Conditions:
Inborn genetic diseases. Identifiers: MedGen C0950123, MeSH D030342.

Submissions (2):

Ambry Genetics
Classification: Uncertain significance for Inborn genetic diseases. Last evaluated: 2025-06-17. Review status: criteria provided, single submitter. Criteria: Ambry Variant Classification Scheme 2023. Collection method: clinical testing. Allele origin: germline.

GeneDx
Classification: Uncertain significance. Last evaluated: 2022-08-15. Review status: criteria provided, single submitter. Criteria: GeneDx Variant Classification Process June 2021. Collection method: clinical testing. Allele origin: germline. Affected: yes.
Comment: Not observed at significant frequency in large population cohorts (gnomAD); In silico analysis supports that this missense variant has a deleterious effect on protein structure/function; Has not been previously published as pathogenic or benign to our knowledge

NM_018238.4(AGK):c.124G>C (p.Ala42Pro)

Gene: AGK (acylglycerol kinase; plus strand). Cytogenetic location: 7q34.
Variant type: single nucleotide variant.
Coding change: c.124G>C on transcript NM_018238.4 (MANE Select); coding-DNA position 124, G replaced by C.
Protein change: p.Ala42Pro; replaces alanine 42 with proline.
Molecular consequence: missense variant.
Genome position (GRCh38, 1-based): chr7:141,593,168, G>C. VCF-style: chr7-141593168-G-C. GRCh37 (hg19) VCF-style: chr7-141292968-G-C.
Other names: c.124G>C, p.Ala42Pro (NM_001364948.3); short protein forms A42P.
Identifiers: ClinVar variation 2430806 (VCV002430806.2), dbSNP rs775499077, ClinGen allele CA369544245.
Genomic context (GRCh38, chr7:141,593,168, plus strand): 5'-TAAAGCTAATGATTATTCTCTTTTGCTTACTTTGATAGTGATAACCTCCTAAGGAGAGCA[G>C]CCTGTCAAGAAGCTCAGGTAATACTACTTAATGTGATAAAATTAAGCCCCTCCTTATCTT-3'
Protein context (NP_060708.1, residues 32-52): KHCDNLLRRA[Ala42Pro]CQEAQVFGNQ